The following is an entry in ClinVar:

ClinVar aggregate classification (germline): Uncertain significance (1 of 4 stars; one submission).

Submission:

Labcorp Genetics (formerly Invitae), Labcorp
Classification: Uncertain significance. Last evaluated: 2024-08-27. Review status: criteria provided, single submitter. Criteria: Invitae Variant Classification Sherloc (09022015). Collection method: clinical testing. Allele origin: germline.
Comment: This sequence change replaces serine, which is neutral and polar, with asparagine, which is neutral and polar, at codon 1143 of the DCHS1 protein (p.Ser1143Asn). This variant is not present in population databases (gnomAD no frequency). This variant has not been reported in the literature in individuals affected with DCHS1-related conditions. Invitae Evidence Modeling of protein sequence and biophysical properties (such as structural, functional, and spatial information, amino acid conservation, physicochemical variation, residue mobility, and thermodynamic stability) indicates that this missense variant is not expected to disrupt DCHS1 protein function with a negative predictive value of 80%. In summary, the available evidence is currently insufficient to determine the role of this variant in disease. Therefore, it has been classified as a Variant of Uncertain Significance.

NM_003737.4(DCHS1):c.3428G>A (p.Ser1143Asn)

Gene: DCHS1 (dachsous cadherin-related 1; minus strand). Cytogenetic location: 11p15.4.
Variant type: single nucleotide variant.
Coding change: c.3428G>A on transcript NM_003737.4 (MANE Select); coding-DNA position 3428, G replaced by A.
Protein change: p.Ser1143Asn; replaces serine 1143 with asparagine.
Molecular consequence: missense variant.
Genome position (GRCh38, 1-based): chr11:6,632,084, C>T on the plus strand (G>A on the coding strand, the complement: DCHS1 is on the minus strand). VCF-style: chr11-6632084-C-T. GRCh37 (hg19) VCF-style: chr11-6653315-C-T.
Other names: short protein forms S1143N.
Identifiers: ClinVar variation 3695830 (VCV003695830.2).